The following is an entry in ClinVar:

ClinVar aggregate classification (germline): Pathogenic. Review status: criteria provided, multiple submitters, no conflicts (2 of 4 stars). 3 submissions from 3 submitters: Pathogenic (2). 1 of the submissions does not count toward it. Last evaluated 2024-03-13.

Conditions:
Neurodegeneration with brain iron accumulation 5 (NBIA5). Also called: Beta-propeller protein-associated neurodegeneration; STATIC ENCEPHALOPATHY OF CHILDHOOD WITH NEURODEGENERATION IN ADULTHOOD. Identifiers: Orphanet 329284, MedGen C3550973, MONDO:0010476, OMIM 300894.

Submissions (3):

Greenwood Genetic Center Diagnostic Laboratories, Greenwood Genetic Center
Classification: Pathogenic for Neurodegeneration with brain iron accumulation 5. Last evaluated: 2024-03-13. Review status: criteria provided, single submitter. Criteria: ACMG Guidelines, 2015. Collection method: clinical testing. Allele origin: germline. Affected: yes.
Comment: PVS1, PS2, PM2

Labcorp Genetics (formerly Invitae), Labcorp
Classification: Pathogenic for Neurodegeneration with brain iron accumulation 5. Last evaluated: 2022-06-27. Review status: criteria provided, single submitter. Criteria: Invitae Variant Classification Sherloc (09022015). Collection method: clinical testing. Allele origin: germline.
Comment: This variant is not present in population databases (gnomAD no frequency). This sequence change affects a donor splice site in intron 8 of the WDR45 gene. It is expected to disrupt RNA splicing. Variants that disrupt the donor or acceptor splice site typically lead to a loss of protein function (PMID: 16199547), and loss-of-function variants in WDR45 are known to be pathogenic (PMID: 23176820, 24368176, 24621584, 25744623, 26790960, 27030146, 27652284, 28554332). Disruption of this splice site has been observed in individual(s) with clinical features of a WDR45-related condition (Invitae). In at least one individual the variant was observed to be de novo. ClinVar contains an entry for this variant (Variation ID: 545080). Algorithms developed to predict the effect of sequence changes on RNA splicing suggest that this variant may disrupt the consensus splice site. For these reasons, this variant has been classified as Pathogenic.

Laboratory of Molecular Genetics (Pr. Bezieau's lab), CHU de Nantes
Classification: Pathogenic. Last evaluated: 2017-06-27. Review status: no assertion criteria provided. Collection method: clinical testing. Allele origin: germline. Affected: yes. Not counted in ClinVar's aggregate classification.

Literature cited by the submitters: PubMed 16199547 (cited by Labcorp Genetics (formerly Invitae), Labcorp); PubMed 23176820 (cited by Labcorp Genetics (formerly Invitae), Labcorp); PubMed 24368176 (cited by Labcorp Genetics (formerly Invitae), Labcorp); PubMed 24621584 (cited by Labcorp Genetics (formerly Invitae), Labcorp); PubMed 25744623 (cited by Labcorp Genetics (formerly Invitae), Labcorp); PubMed 26790960 (cited by Labcorp Genetics (formerly Invitae), Labcorp); PubMed 27030146 (cited by Labcorp Genetics (formerly Invitae), Labcorp); PubMed 27652284 (cited by Labcorp Genetics (formerly Invitae), Labcorp); PubMed 28554332 (cited by Labcorp Genetics (formerly Invitae), Labcorp).

NM_001029896.2(WDR45):c.516+1G>A

Gene: WDR45 (WD repeat domain 45; minus strand). Cytogenetic location: Xp11.23.
Variant type: single nucleotide variant.
Coding change: c.516+1G>A on transcript NM_001029896.2 (MANE Select); the canonical splice donor site of the intron after coding-DNA position 516, G replaced by A.
Molecular consequence: splice donor variant.
Genome position (GRCh38, 1-based): chrX:49,075,865, C>T on the plus strand (G>A on the coding strand, the complement: WDR45 is on the minus strand). VCF-style: chrX-49075865-C-T. GRCh37 (hg19) VCF-style: chrX-48933524-C-T.
Other names: c.519+1G>A (NM_007075.4).
Identifiers: ClinVar variation 545080 (VCV000545080.12), dbSNP rs797046102, ClinGen allele CA412945068.
Genomic context (GRCh38, chrX:49,075,865, plus strand): 5'-CAAGAGTCCACAAGGAAGCCAGTCCACCAACCTACCCACCCTTGTCCACTGGACGGCTCA[C>T]CACAAGTTGCAGACTCCCACACTTGTGTCCCGGGAACACTAGCAGTTGCTTCTCCAGGCT-3'